The following is an entry in ClinVar:

NM_031917.3(ANGPTL6):c.1072C>T (p.Arg358Cys)

Gene: ANGPTL6 (angiopoietin like 6; minus strand). Cytogenetic location: 19p13.2.
Variant type: single nucleotide variant.
Coding change: c.1072C>T on transcript NM_031917.3 (MANE Select); coding-DNA position 1072, C replaced by T.
Protein change: p.Arg358Cys; replaces arginine 358 with cysteine.
Molecular consequence: missense variant.
Genome position (GRCh38, 1-based): chr19:10,093,499, G>A on the plus strand (C>T on the coding strand, the complement: ANGPTL6 is on the minus strand). VCF-style: chr19-10093499-G-A. GRCh37 (hg19) VCF-style: chr19-10204175-G-A.
Other names: c.1072C>T, p.Arg358Cys (NM_001321411.2, NM_001387347.1, NM_001387348.1); short protein forms R358C.
Identifiers: ClinVar variation 2649280 (VCV002649280.24), dbSNP rs147149731, ClinGen allele CA9185259.

ClinVar aggregate classification (germline): Benign (1 of 4 stars; one submission).

Allele frequency attached by ClinVar (database versions not stated): 1000 Genomes Project 30x 0.00390; 1000 Genomes Project 0.00419; gnomAD 0.01044; ESP Exome Variant Server 0.01061; gnomAD exomes 0.01454.
gnomAD v4.1: 22,698 of 1,614,168 alleles (1.4%); highest among the groups gnomAD compares: Non-Finnish European, 1.7%; 195 homozygotes.

Submission:

CeGaT Center for Human Genetics Tuebingen
Classification: Benign. Last evaluated: 2026-07-01. Review status: criteria provided, single submitter. Criteria: CeGaT Center For Human Genetics Tuebingen Variant Classification Criteria Version 2. Collection method: clinical testing. Allele origin: germline. Affected: yes. Observed: 5 variant alleles.
Comment: ANGPTL6: PM5, BP4, BS1, BS2